The following is an entry in ClinVar:

NM_000135.4(FANCA):c.3569A>G (p.Gln1190Arg)

Gene: FANCA (FA complementation group A; minus strand). Cytogenetic location: 16q24.3.
Variant type: single nucleotide variant.
Coding change: c.3569A>G on transcript NM_000135.4 (MANE Select); coding-DNA position 3569, A replaced by G.
Protein change: p.Gln1190Arg; replaces glutamine 1190 with arginine.
Molecular consequence: missense variant.
Genome position (GRCh38, 1-based): chr16:89,745,016, T>C on the plus strand (A>G on the coding strand, the complement: FANCA is on the minus strand). VCF-style: chr16-89745016-T-C. GRCh37 (hg19) VCF-style: chr16-89811424-T-C.
Other names: c.3569A>G, p.Gln1190Arg (NM_001286167.3); c.3569A>G (NM_000135.3); short protein forms Q1190R.
Identifiers: ClinVar variation 956693 (VCV000956693.9), dbSNP rs1450954823, ClinGen allele CA397485685.
Genomic context (GRCh38, chr16:89,745,016, plus strand): 5'-TACTCGCTGGCAAACTGCCGGCCTTCTTGTAGCTTCTGCAGTTCCCGGGGCAGCGGGCTC[T>C]GGCAGTGTCTCCTCCACCGGCAGAGCAGCACAGGCTCCAGGCTCGGCCACCACACCTATG-3'
Protein context (NP_000126.2, residues 1180-1200): VLLCRWRRHC[Gln1190Arg]SPLPRELQKL

ClinVar aggregate classification (germline): Uncertain significance. Review status: criteria provided, multiple submitters, no conflicts (2 of 4 stars). 3 submissions from 3 submitters: Uncertain significance (3). Last evaluated 2025-10-07.

Conditions:
Inborn genetic diseases. Identifiers: MedGen C0950123, MeSH D030342.
Fanconi anemia (FA). Also called: Fanconi's anemia. Identifiers: Orphanet 84, MedGen C0015625, MeSH D005199, MONDO:0019391.

Allele frequency attached by ClinVar (database versions not stated): gnomAD exomes below 0.00001.
gnomAD v4.1: 1 of 1,610,976 alleles (0.000062%); highest among the groups gnomAD compares: Admixed American, 0.0017%; no homozygotes.

Submissions (3):

Quest Diagnostics Nichols Institute San Juan Capistrano
Classification: Uncertain significance. Last evaluated: 2025-10-07. Review status: criteria provided, single submitter. Criteria: Quest Diagnostics criteria. Collection method: clinical testing. Allele origin: unknown.
Comment: The FANCA c.3569A>G (p.Gln1190Arg) variant has not been reported in individuals with FANCA-related conditions in the published literature. The frequency of this variant in the general population (Genome Aggregation Database) is uninformative in the assessment of its pathogenicity. Analysis of this variant using bioinformatics tools for the prediction of the effect of amino acid changes on protein structure and function yielded predictions that this variant is benign. Based on the available information, we are unable to determine the clinical significance of this variant.

Ambry Genetics
Classification: Uncertain significance for Inborn genetic diseases. Last evaluated: 2025-04-05. Review status: criteria provided, single submitter. Criteria: Ambry Variant Classification Scheme 2023. Collection method: clinical testing. Allele origin: germline.
Comment: The p.Q1190R variant (also known as c.3569A>G), located in coding exon 36 of the FANCA gene, results from an A to G substitution at nucleotide position 3569. The glutamine at codon 1190 is replaced by arginine, an amino acid with highly similar properties. This amino acid position is conserved. In addition, this alteration is predicted to be tolerated by in silico analysis. Based on the available evidence, the clinical significance of this variant remains unclear.

Labcorp Genetics (formerly Invitae), Labcorp
Classification: Uncertain significance for Fanconi anemia. Last evaluated: 2021-08-30. Review status: criteria provided, single submitter. Criteria: Invitae Variant Classification Sherloc (09022015). Collection method: clinical testing. Allele origin: germline.
Comment: This sequence change replaces glutamine with arginine at codon 1190 of the FANCA protein (p.Gln1190Arg). The glutamine residue is moderately conserved and there is a small physicochemical difference between glutamine and arginine. This variant is not present in population databases (ExAC no frequency). This variant has not been reported in the literature in individuals affected with FANCA-related conditions. Algorithms developed to predict the effect of missense changes on protein structure and function output the following: SIFT: "Tolerated"; PolyPhen-2: "Benign"; Align-GVGD: "Class C0". The arginine amino acid residue is found in multiple mammalian species, which suggests that this missense change does not adversely affect protein function. In summary, the available evidence is currently insufficient to determine the role of this variant in disease. Therefore, it has been classified as a Variant of Uncertain Significance.